The following is an entry in ClinVar:

ClinVar aggregate classification (germline): Uncertain significance. Review status: criteria provided, multiple submitters, no conflicts (2 of 4 stars). 3 submissions from 3 submitters: Uncertain significance (3). Last evaluated 2025-09-01.

Conditions:
Alagille syndrome due to a JAG1 point mutation. Also called: Alagille Syndrome 1; JAG1-Related Alagille Syndrome; HEPATIC DUCTULAR HYPOPLASIA, SYNDROMATIC. Identifiers: Orphanet 261619, Orphanet 52, MedGen C1956125, MONDO:0016862, OMIM 118450.
Cardiovascular phenotype. Identifiers: MedGen CN230736.

Allele frequency attached by ClinVar (database versions not stated): gnomAD 0.00001; TOPMed 0.00002; ESP Exome Variant Server 0.00008.
gnomAD v4.1: 2 of 1,613,926 alleles (0.00012%); highest among the groups gnomAD compares: African/African-American, 0.0027%; no homozygotes.

Submissions (3):

CeGaT Center for Human Genetics Tuebingen
Classification: Uncertain significance. Last evaluated: 2025-09-01. Review status: criteria provided, single submitter. Criteria: CeGaT Center For Human Genetics Tuebingen Variant Classification Criteria Version 2. Collection method: clinical testing. Allele origin: germline. Affected: yes. Observed: 1 variant allele.
Comment: JAG1: PM5, BP4

Ambry Genetics
Classification: Uncertain significance for Cardiovascular phenotype. Last evaluated: 2023-10-12. Review status: criteria provided, single submitter. Criteria: Ambry Variant Classification Scheme 2023. Collection method: clinical testing. Allele origin: germline.
Comment: The p.H908R variant (also known as c.2723A>G), located in coding exon 23 of the JAG1 gene, results from an A to G substitution at nucleotide position 2723. The histidine at codon 908 is replaced by arginine, an amino acid with highly similar properties. This amino acid position is conserved. In addition, this alteration is predicted to be tolerated by in silico analysis. Since supporting evidence is limited at this time, the clinical significance of this alteration remains unclear.

Labcorp Genetics (formerly Invitae), Labcorp
Classification: Uncertain significance for Alagille syndrome due to a JAG1 point mutation. Last evaluated: 2022-09-29. Review status: criteria provided, single submitter. Criteria: Invitae Variant Classification Sherloc (09022015). Collection method: clinical testing. Allele origin: germline.
Comment: In summary, the available evidence is currently insufficient to determine the role of this variant in disease. Therefore, it has been classified as a Variant of Uncertain Significance. Advanced modeling of protein sequence and biophysical properties (such as structural, functional, and spatial information, amino acid conservation, physicochemical variation, residue mobility, and thermodynamic stability) performed at Invitae indicates that this missense variant is not expected to disrupt JAG1 protein function. This variant has not been reported in the literature in individuals affected with JAG1-related conditions. ClinVar contains an entry for this variant (Variation ID: 1007460). This sequence change replaces histidine, which is basic and polar, with arginine, which is basic and polar, at codon 908 of the JAG1 protein (p.His908Arg). This variant is not present in population databases (gnomAD no frequency).

NM_000214.3(JAG1):c.2723A>G (p.His908Arg)

Gene: JAG1 (jagged canonical Notch ligand 1; minus strand). Cytogenetic location: 20p12.2.
Variant type: single nucleotide variant.
Coding change: c.2723A>G on transcript NM_000214.3 (MANE Select); coding-DNA position 2723, A replaced by G.
Protein change: p.His908Arg; replaces histidine 908 with arginine.
Molecular consequence: missense variant.
Genome position (GRCh38, 1-based): chr20:10,641,653, T>C on the plus strand (A>G on the coding strand, the complement: JAG1 is on the minus strand). VCF-style: chr20-10641653-T-C. GRCh37 (hg19) VCF-style: chr20-10622301-T-C.
Other names: c.2723A>G (NM_000214.2); short protein forms H908R.
Identifiers: ClinVar variation 1007460 (VCV001007460.16), dbSNP rs150243935, ClinGen allele CA311368824.